The following is an entry in ClinVar:

ClinVar aggregate classification (germline): Uncertain significance. Review status: criteria provided, multiple submitters, no conflicts (2 of 4 stars). 2 submissions from 2 submitters: Uncertain significance (2). Last evaluated 2024-04-29.

Conditions:
Hereditary cancer-predisposing syndrome. Also called: Neoplastic Syndromes, Hereditary; Tumor predisposition; Hereditary neoplastic syndrome; Hereditary Cancer Syndrome. Identifiers: Orphanet 140162, MedGen C0027672, MeSH D009386, MONDO:0015356.

Allele frequency attached by ClinVar (database versions not stated): gnomAD exomes below 0.00001; TOPMed 0.00001.
gnomAD v4.1: 2 of 1,614,082 alleles (0.00012%); highest among the groups gnomAD compares: Non-Finnish European, 0.00017%; no homozygotes.

Submissions (2):

Labcorp Genetics (formerly Invitae), Labcorp
Classification: Uncertain significance. Last evaluated: 2024-04-29. Review status: criteria provided, single submitter. Criteria: Invitae Variant Classification Sherloc (09022015). Collection method: clinical testing. Allele origin: germline.
Comment: This sequence change replaces histidine, which is basic and polar, with arginine, which is basic and polar, at codon 1833 of the POLE protein (p.His1833Arg). This variant is present in population databases (no rsID available, gnomAD 0.0009%). This variant has not been reported in the literature in individuals affected with POLE-related conditions. ClinVar contains an entry for this variant (Variation ID: 644298). Advanced modeling of protein sequence and biophysical properties (such as structural, functional, and spatial information, amino acid conservation, physicochemical variation, residue mobility, and thermodynamic stability) performed at Invitae indicates that this missense variant is not expected to disrupt POLE protein function with a negative predictive value of 80%. In summary, the available evidence is currently insufficient to determine the role of this variant in disease. Therefore, it has been classified as a Variant of Uncertain Significance.

Ambry Genetics
Classification: Uncertain significance for Hereditary cancer-predisposing syndrome. Last evaluated: 2021-09-08. Review status: criteria provided, single submitter. Criteria: Ambry Variant Classification Scheme 2023. Collection method: clinical testing. Allele origin: germline.
Comment: The p.H1833R variant (also known as c.5498A>G), located in coding exon 40 of the POLE gene, results from an A to G substitution at nucleotide position 5498. The histidine at codon 1833 is replaced by arginine, an amino acid with highly similar properties. This amino acid position is conserved. In addition, this alteration is predicted to be tolerated by in silico analysis. Since supporting evidence is limited at this time, the clinical significance of this alteration remains unclear.

NM_006231.4(POLE):c.5498A>G (p.His1833Arg)

Gene: POLE (DNA polymerase epsilon, catalytic subunit; minus strand). Cytogenetic location: 12q24.33.
Variant type: single nucleotide variant.
Coding change: c.5498A>G on transcript NM_006231.4 (MANE Select); coding-DNA position 5498, A replaced by G.
Protein change: p.His1833Arg; replaces histidine 1833 with arginine.
Molecular consequence: missense variant.
Genome position (GRCh38, 1-based): chr12:132,639,179, T>C on the plus strand (A>G on the coding strand, the complement: POLE is on the minus strand). VCF-style: chr12-132639179-T-C. GRCh37 (hg19) VCF-style: chr12-133215765-T-C.
Other names: short protein forms H1833R.
Identifiers: ClinVar variation 644298 (VCV000644298.13), dbSNP rs1296239115, ClinGen allele CA387374645.
Genomic context (GRCh38, chr12:132,639,179, plus strand): 5'-ACTCACTGCAGGAAGAGCTTCTTCATCATGTTGTGGAGTGTGCGGTGCAGGGCAGGGTCA[T>C]GAAGCAGAGAGGATGGCGACCGAAGCCAGCGGTAGAAGTGCATCACCTGGTTGTCTGCAT-3'
Protein context (NP_006222.2, residues 1823-1843): RWLRSPSSLL[His1833Arg]DPALHRTLHN